The following is an entry in ClinVar:

ClinVar aggregate classification (germline): Conflicting classifications of pathogenicity. Review status: criteria provided, conflicting classifications (1 of 4 stars). 4 submissions from 4 submitters: Uncertain significance (1); Likely benign (3). Last evaluated 2026-03-02.

Conditions:
PCLO-related disorder. Also called: PCLO-related condition.

Allele frequency attached by ClinVar (database versions not stated): gnomAD exomes 0.00010 and 0.00023; ExAC 0.00030; ESP Exome Variant Server 0.00099; TOPMed 0.00101; gnomAD 0.00102 and 0.00111; 1000 Genomes Project 30x 0.00172; 1000 Genomes Project 0.00200.
gnomAD v4.1: 298 of 1,613,728 alleles (0.018%); highest among the groups gnomAD compares: African/African-American, 0.35%; 1 homozygote.

Submissions (4):

GeneDx
Classification: Uncertain significance. Last evaluated: 2026-03-02. Review status: criteria provided, single submitter. Criteria: GeneDx Variant Classification Process June 2021. Collection method: clinical testing. Allele origin: germline.
Comment: In silico analysis suggests that this missense variant does not alter protein structure/function; Has not been previously published as pathogenic or benign to our knowledge

Labcorp Genetics (formerly Invitae), Labcorp
Classification: Likely benign. Last evaluated: 2026-02-03. Review status: criteria provided, single submitter. Criteria: Invitae Variant Classification Sherloc (09022015). Collection method: clinical testing. Allele origin: germline.

PreventionGenetics, part of Exact Sciences
Classification: Likely benign for PCLO-related condition. Last evaluated: 2025-02-17. Review status: criteria provided, single submitter. Criteria: ACMG Guidelines, 2015. Collection method: clinical testing. Allele origin: germline.
Comment: This variant is classified as likely benign based on ACMG/AMP sequence variant interpretation guidelines (Richards et al. 2015 PMID: 25741868, with internal and published modifications).

Breakthrough Genomics
Classification: Likely benign. Review status: criteria provided, single submitter. Criteria: ACMG Guidelines, 2015. Collection method: not provided. Allele origin: germline. Inheritance: Autosomal recessive inheritance. Affected: yes.

NM_033026.6(PCLO):c.8766A>C (p.Lys2922Asn)

Gene: PCLO (piccolo presynaptic cytomatrix protein; minus strand). Cytogenetic location: 7q21.11.
Variant type: single nucleotide variant.
Coding change: c.8766A>C on transcript NM_033026.6 (MANE Select); coding-DNA position 8766, A replaced by C.
Protein change: p.Lys2922Asn; replaces lysine 2922 with asparagine.
Molecular consequence: missense variant.
Genome position (GRCh38, 1-based): chr7:82,952,187, T>G on the plus strand (A>C on the coding strand, the complement: PCLO is on the minus strand). VCF-style: chr7-82952187-T-G. GRCh37 (hg19) VCF-style: chr7-82581503-T-G.
Other names: c.8766A>C, p.Lys2922Asn (NM_014510.3); c.8766A>C (NM_033026.5); short protein forms K2922N.
Identifiers: ClinVar variation 1124562 (VCV001124562.11), dbSNP rs150404406, ClinGen allele CA4320065.